The following is an entry in ClinVar:

NM_000193.4(SHH):c.488G>T (p.Arg163Leu)

Gene: SHH (sonic hedgehog signaling molecule; minus strand). Cytogenetic location: 7q36.3.
Variant type: single nucleotide variant.
Coding change: c.488G>T on transcript NM_000193.4 (MANE Select); coding-DNA position 488, G replaced by T.
Protein change: p.Arg163Leu; replaces arginine 163 with leucine.
Molecular consequence: missense variant. On other transcripts: non-coding transcript variant (2).
Genome position (GRCh38, 1-based): chr7:155,806,370, C>A on the plus strand (G>T on the coding strand, the complement: SHH is on the minus strand). VCF-style: chr7-155806370-C-A. GRCh37 (hg19) VCF-style: chr7-155599064-C-A.
Other names: c.227G>T, p.Arg76Leu (NM_001310462.2); short protein forms R163L, R76L.
Identifiers: ClinVar variation 2189617 (VCV002189617.4), dbSNP rs141313715, ClinGen allele CA4587017.
Genomic context (GRCh38, chr7:155,806,370, plus strand): 5'-CAGTGGATATGTGCCTTGGACTCGTAGTACACCCAGTCGAAGCCGGCCTCCACCGCCAGG[C>A]GGGCCAGCATGCCGTACTTGCTGCGGTCGCGGTCAGACGTGGTGATGTCCACTGCGCGGC-3'
Protein context (NP_000184.1, residues 153-173): RDRSKYGMLA[Arg163Leu]LAVEAGFDWV

ClinVar aggregate classification (germline): Uncertain significance (1 of 4 stars; one submission).

Conditions:
Holoprosencephaly 3 (HPE3). Identifiers: Orphanet 2162, MedGen C1840529, MONDO:0007733, OMIM 142945.

Submission:

Labcorp Genetics (formerly Invitae), Labcorp
Classification: Uncertain significance for Holoprosencephaly 3. Last evaluated: 2024-05-06. Review status: criteria provided, single submitter. Criteria: Invitae Variant Classification Sherloc (09022015). Collection method: clinical testing. Allele origin: germline.
Comment: This sequence change replaces arginine, which is basic and polar, with leucine, which is neutral and non-polar, at codon 163 of the SHH protein (p.Arg163Leu). This variant is present in population databases (rs141313715, gnomAD 0.0009%). This variant has not been reported in the literature in individuals affected with SHH-related conditions. ClinVar contains an entry for this variant (Variation ID: 2189617). Advanced modeling of protein sequence and biophysical properties (such as structural, functional, and spatial information, amino acid conservation, physicochemical variation, residue mobility, and thermodynamic stability) performed at Invitae indicates that this missense variant is expected to disrupt SHH protein function with a positive predictive value of 80%. In summary, the available evidence is currently insufficient to determine the role of this variant in disease. Therefore, it has been classified as a Variant of Uncertain Significance.